The following is an entry in ClinVar:

NM_182760.4(SUMF1):c.1022G>A (p.Cys341Tyr)

Gene: SUMF1 (sulfatase modifying factor 1; minus strand). Cytogenetic location: 3p26.1.
Variant type: single nucleotide variant.
Coding change: c.1022G>A on transcript NM_182760.4 (MANE Select); coding-DNA position 1022, G replaced by A.
Protein change: p.Cys341Tyr; replaces cysteine 341 with tyrosine.
Molecular consequence: missense variant.
Genome position (GRCh38, 1-based): chr3:4,362,247, C>T on the plus strand (G>A on the coding strand, the complement: SUMF1 is on the minus strand). VCF-style: chr3-4362247-C-T. GRCh37 (hg19) VCF-style: chr3-4403931-C-T.
Other names: c.947G>A, p.Cys316Tyr (NM_001164674.2); c.962G>A, p.Cys321Tyr (NM_001164675.2); short protein forms C316Y, C341Y, C321Y.
Identifiers: ClinVar variation 1519496 (VCV001519496.3), dbSNP rs745986003, ClinGen allele CA351626608.

ClinVar aggregate classification (germline): Uncertain significance (1 of 4 stars; one submission).

Conditions:
Multiple sulfatase deficiency (MSD). Also called: Mucosulfatidosis; Multiple Sulfatase Deficiency Disease; Sulfatidosis, Juvenile, Austin Type. Identifiers: Orphanet 585, MedGen C0268263, MONDO:0010088, OMIM 272200.

Submission:

Labcorp Genetics (formerly Invitae), Labcorp
Classification: Uncertain significance for Multiple sulfatase deficiency. Last evaluated: 2022-07-26. Review status: criteria provided, single submitter. Criteria: Invitae Variant Classification Sherloc (09022015). Collection method: clinical testing. Allele origin: germline.
Comment: This sequence change replaces cysteine, which is neutral and slightly polar, with tyrosine, which is neutral and polar, at codon 341 of the SUMF1 protein (p.Cys341Tyr). This variant is not present in population databases (gnomAD no frequency). This variant has not been reported in the literature in individuals affected with SUMF1-related conditions. ClinVar contains an entry for this variant (Variation ID: 1519496). Algorithms developed to predict the effect of missense changes on protein structure and function are either unavailable or do not agree on the potential impact of this missense change (SIFT: "Deleterious"; PolyPhen-2: "Probably Damaging"; Align-GVGD: "Class C0"). In summary, the available evidence is currently insufficient to determine the role of this variant in disease. Therefore, it has been classified as a Variant of Uncertain Significance.